The following is an entry in ClinVar:

NM_003742.4(ABCB11):c.257T>A (p.Met86Lys)

Gene: ABCB11 (ATP binding cassette subfamily B member 11; minus strand). Cytogenetic location: 2q31.1.
Variant type: single nucleotide variant.
Coding change: c.257T>A on transcript NM_003742.4 (MANE Select); coding-DNA position 257, T replaced by A.
Protein change: p.Met86Lys; replaces methionine 86 with lysine.
Molecular consequence: missense variant.
Genome position (GRCh38, 1-based): chr2:169,013,404, A>T on the plus strand (T>A on the coding strand, the complement: ABCB11 is on the minus strand). VCF-style: chr2-169013404-A-T. GRCh37 (hg19) VCF-style: chr2-169869914-A-T.
Other names: NM_003742.4(ABCB11):c.257T>A; p.Met86Lys; short protein forms M86K.
Identifiers: ClinVar variation 801829 (VCV000801829.2), dbSNP rs1258387740, ClinGen allele CA349105194.
Genomic context (GRCh38, chr2:169,013,404, plus strand): 5'-GCTTTTCCTGGAATCTGGAGTTCTTGTAACTCAACGTCGTAGTCAATAAAAACATCTGTC[A>T]TTGTGCCAAAAATGAGTAGCACGCCTGGCTGGGCTATTCCATGGAGAAATGCACACAAAC-3'
Protein context (NP_003733.2, residues 76-96): QPGVLLIFGT[Met86Lys]TDVFIDYDVE

ClinVar aggregate classification (germline): Conflicting classifications of pathogenicity. Review status: criteria provided, conflicting classifications (1 of 4 stars). 2 submissions from 2 submitters: Likely pathogenic (1); Uncertain significance (1). Last evaluated 2025-02-04.

Conditions:
Progressive familial intrahepatic cholestasis type 2. Identifiers: Orphanet 79304, MedGen C3489789, MONDO:0011156, OMIM 601847.

Allele frequency attached by ClinVar (database versions not stated): TOPMed 0.00002.
gnomAD v4.1: 1 of 1,613,854 alleles (0.000062%); highest among the groups gnomAD compares: Non-Finnish European, 0.000085%; no homozygotes.

Submissions (2):

Broad Center for Mendelian Genomics, Broad Institute of MIT and Harvard
Classification: Uncertain significance for Progressive familial intrahepatic cholestasis type 2. Last evaluated: 2025-02-04. Review status: criteria provided, single submitter. Criteria: ACMG Guidelines, 2015. Collection method: curation. Allele origin: germline. Inheritance: Autosomal recessive inheritance.
Comment: The p.Met86Lys variant in ABCB11 has not been previously reported in the literature in individuals with BSEP deficiency, and has been identified in 0.00008% (1/1179794) of European (non-Finnish) chromosomes by the Genome Aggregation Database (gnomAD; dbSNP rs1258387740). Although this variant has been seen in the general population in a heterozygous state, its frequency is low enough to be consistent with a recessive carrier frequency. Computational prediction tools and conservation analyses suggest that this variant may impact the protein, though this information is not predictive enough to determine pathogenicity. In summary, the clinical significance of the p.Met86Lys variant is uncertain. ACMG/AMP Criteria applied: PP3_moderate, PM2_supporting (Richards 2015).

Mendelics
Classification: Likely pathogenic for Progressive familial intrahepatic cholestasis type 2. Last evaluated: 2019-05-28. Review status: criteria provided, single submitter. Criteria: Mendelics Assertion Criteria 2017. Collection method: clinical testing. Allele origin: unknown.